The following is an entry in ClinVar:

NM_025150.5(TARS2):c.1317C>T (p.Ala439=)

Gene: TARS2 (threonyl-tRNA synthetase 2, mitochondrial; plus strand). Cytogenetic location: 1q21.2.
Variant type: single nucleotide variant.
Coding change: c.1317C>T on transcript NM_025150.5 (MANE Select); coding-DNA position 1317, C replaced by T.
Protein change: p.Ala439=; no amino-acid change (alanine 439 retained).
Molecular consequence: synonymous variant. On other transcripts: non-coding transcript variant (2).
Genome position (GRCh38, 1-based): chr1:150,498,580, C>T. VCF-style: chr1-150498580-C-T. GRCh37 (hg19) VCF-style: chr1-150471056-C-T.
Other names: c.1071C>T, p.Ala357= (NM_001271895.2); c.927C>T, p.Ala309= (NM_001271896.2).
Identifiers: ClinVar variation 380558 (VCV000380558.15), dbSNP rs116476409, ClinGen allele CA1076975.

ClinVar aggregate classification (germline): Benign. Review status: criteria provided, multiple submitters, no conflicts (2 of 4 stars). 5 submissions from 5 submitters: Benign (3). 2 of the submissions do not count toward it. Last evaluated 2026-02-03.

Conditions:
TARS2-related disorder. Also called: TARS2-related condition.

Allele frequency attached by ClinVar (database versions not stated): 1000 Genomes Project 0.00619; 1000 Genomes Project 30x 0.00625; ESP Exome Variant Server 0.00769; TOPMed 0.00881; gnomAD exomes 0.01169 and 0.01410; ExAC 0.01378; gnomAD 0.01392.
gnomAD v4.1: 18,518 of 1,610,896 alleles (1.1%); highest among the groups gnomAD compares: Admixed American, 2.4%; 161 homozygotes.

Submissions (5):

Labcorp Genetics (formerly Invitae), Labcorp
Classification: Benign. Last evaluated: 2026-02-03. Review status: criteria provided, single submitter. Criteria: Invitae Variant Classification Sherloc (09022015). Collection method: clinical testing. Allele origin: germline.

GeneDx
Classification: Benign. Last evaluated: 2016-08-04. Review status: criteria provided, single submitter. Criteria: GeneDx Variant Classification (06012015). Collection method: clinical testing. Allele origin: germline. Affected: yes.
Comment: This variant is considered likely benign or benign based on one or more of the following criteria: it is a conservative change, it occurs at a poorly conserved position in the protein, it is predicted to be benign by multiple in silico algorithms, and/or has population frequency not consistent with disease.

Breakthrough Genomics
Classification: Benign. Review status: criteria provided, single submitter. Criteria: ACMG Guidelines, 2015. Collection method: not provided. Allele origin: germline. Inheritance: Autosomal recessive inheritance. Affected: yes.

PreventionGenetics, part of Exact Sciences
Classification: Benign for TARS2-related condition. Last evaluated: 2020-02-24. Review status: no assertion criteria provided. Collection method: clinical testing. Allele origin: germline. Not counted in ClinVar's aggregate classification.
Comment: This variant is classified as benign based on ACMG/AMP sequence variant interpretation guidelines (Richards et al. 2015 PMID: 25741868, with internal and published modifications).

Mayo Clinic Laboratories, Mayo Clinic
Classification: Benign. Last evaluated: 2016-02-29. Review status: no assertion criteria provided. Collection method: clinical testing. Allele origin: unknown. Not counted in ClinVar's aggregate classification.